The following is an entry in ClinVar:

ClinVar aggregate classification (germline): Uncertain significance (1 of 4 stars; one submission).

Submission:

GeneDx
Classification: Uncertain significance. Last evaluated: 2024-07-25. Review status: criteria provided, single submitter. Criteria: GeneDx Variant Classification Process June 2021. Collection method: clinical testing. Allele origin: germline. Affected: yes.
Comment: Not observed at significant frequency in large population cohorts (gnomAD); In silico analysis supports that this missense variant has a deleterious effect on protein structure/function; Has not been previously published as pathogenic or benign to our knowledge

NM_020791.4(TAOK1):c.893A>G (p.Lys298Arg)

Gene: TAOK1 (TAO kinase 1; plus strand). Cytogenetic location: 17q11.2.
Variant type: single nucleotide variant.
Coding change: c.893A>G on transcript NM_020791.4 (MANE Select); coding-DNA position 893, A replaced by G.
Protein change: p.Lys298Arg; replaces lysine 298 with arginine.
Molecular consequence: missense variant.
Genome position (GRCh38, 1-based): chr17:29,495,621, A>G. VCF-style: chr17-29495621-A-G. GRCh37 (hg19) VCF-style: chr17-27822639-A-G.
Other names: c.893A>G, p.Lys298Arg (NM_025142.1); short protein forms K298R.
Identifiers: ClinVar variation 3600569 (VCV003600569.1).